The following is an entry in ClinVar:

NM_000085.5(CLCNKB):c.547_563del (p.Val183fs)

Genes: CLCNKB (chloride voltage-gated channel Kb; plus strand), LOC106501713 (CLCNKB recombination region; plus strand). Cytogenetic location: 1p36.13.
Variant type: Deletion.
Coding change: c.547_563del on transcript NM_000085.5 (MANE Select); coding-DNA positions 547 to 563, 17 bases deleted (GTGCGCACCACGACCAT).
Protein change: p.Val183fs; shifts the reading frame from valine 183.
Molecular consequence: frameshift variant.
Genome position (GRCh38, 1-based): chr1:16,048,391-16,048,407, GTGCGCACCACGACCAT deleted; deleting any 17 consecutive bases within chr1:16,048,390-16,048,407 gives the same sequence; the c. name uses the placement nearest the transcript's 3' end. VCF-style (leftmost placement, unchanged base first): chr1-16048389-GTGTGCGCACCACGACCA-G. GRCh37 (hg19) VCF-style: chr1-16374884-GTGTGCGCACCACGACCA-G.
Other names: short protein forms V183fs.
Identifiers: ClinVar variation 2990998 (VCV002990998.2), dbSNP rs1480162306, ClinGen allele CA521460313.

ClinVar aggregate classification (germline): Pathogenic (1 of 4 stars; one submission).

Submission:

Labcorp Genetics (formerly Invitae), Labcorp
Classification: Pathogenic. Last evaluated: 2023-04-09. Review status: criteria provided, single submitter. Criteria: Invitae Variant Classification Sherloc (09022015). Collection method: clinical testing. Allele origin: germline.
Comment: This sequence change creates a premature translational stop signal (p.Val183Argfs*4) in the CLCNKB gene. It is expected to result in an absent or disrupted protein product. Loss-of-function variants in CLCNKB are known to be pathogenic (PMID: 24830959, 26920127, 28381550, 29254190). This variant is present in population databases (no rsID available, gnomAD 0.02%). For these reasons, this variant has been classified as Pathogenic. This variant has not been reported in the literature in individuals affected with CLCNKB-related conditions.

Literature cited by the submitters: PubMed 24830959; PubMed 26920127; PubMed 28381550; PubMed 29254190.